The following is an entry in ClinVar:

NM_181872.6(DMRT2):c.503T>C (p.Leu168Pro)

Gene: DMRT2 (doublesex and mab-3 related transcription factor 2; plus strand). Cytogenetic location: 9p24.3.
Variant type: single nucleotide variant.
Coding change: c.503T>C on transcript NM_181872.6 (MANE Select); coding-DNA position 503, T replaced by C.
Protein change: p.Leu168Pro; replaces leucine 168 with proline.
Molecular consequence: missense variant. On other transcripts: 5 prime UTR variant (1), non-coding transcript variant (1).
Genome position (GRCh38, 1-based): chr9:1,052,116, T>C. VCF-style: chr9-1052116-T-C. GRCh37 (hg19) VCF-style: chr9-1052116-T-C.
Other names: c.503T>C, p.Leu168Pro (NM_001130865.3, NM_001370531.1, NM_001370533.1 and 4 more transcripts); c.-148T>C (NM_001370532.1); short protein forms L168P.
Identifiers: ClinVar variation 4715081 (VCV004715081.1).
Genomic context (GRCh38, chr9:1,052,116, plus strand): 5'-AGTGCGCCAACTGCCTGCTGGTGGTGGAGCGGCAGCGCGTCATGGCCGCCCAGGTGGCGC[T>C]CCGGAGGCAGCAGGCCACCGAGGTGCGTACCCGCCCGGCCCGGGCGTCTCAGGCCACAGT-3'
Protein context (NP_870987.2, residues 158-178): RQRVMAAQVA[Leu168Pro]RRQQATEDKK

ClinVar aggregate classification (germline): Uncertain significance (1 of 4 stars; one submission).

Submission:

Labcorp Genetics (formerly Invitae), Labcorp
Classification: Uncertain significance. Last evaluated: 2025-03-13. Review status: criteria provided, single submitter. Criteria: Invitae Variant Classification Sherloc (09022015). Collection method: clinical testing. Allele origin: germline.
Comment: This sequence change replaces leucine, which is neutral and non-polar, with proline, which is neutral and non-polar, at codon 168 of the DMRT2 protein (p.Leu168Pro). This variant is not present in population databases (gnomAD no frequency). This variant has not been reported in the literature in individuals affected with DMRT2-related conditions. An algorithm developed to predict the effect of missense changes on protein structure and function (PolyPhen-2) suggests that this variant is likely to be disruptive. In summary, the available evidence is currently insufficient to determine the role of this variant in disease. Therefore, it has been classified as a Variant of Uncertain Significance.